The following is an entry in ClinVar:

NM_000921.5(PDE3A):c.1346G>C (p.Gly449Ala)

Gene: PDE3A (phosphodiesterase 3A; plus strand). Cytogenetic location: 12p12.2.
Variant type: single nucleotide variant.
Coding change: c.1346G>C on transcript NM_000921.5 (MANE Select); coding-DNA position 1346, G replaced by C.
Protein change: p.Gly449Ala; replaces glycine 449 with alanine.
Molecular consequence: missense variant.
Genome position (GRCh38, 1-based): chr12:20,616,306, G>C. VCF-style: chr12-20616306-G-C. GRCh37 (hg19) VCF-style: chr12-20769240-G-C.
Other names: c.380G>C, p.Gly127Ala (NM_001244683.2, NM_001378409.1); c.1346G>C, p.Gly449Ala (NM_001378407.1); c.383G>C, p.Gly128Ala (NM_001378408.1); short protein forms G128A, G127A, G449A.
Identifiers: ClinVar variation 4723912 (VCV004723912.2).

ClinVar aggregate classification (germline): Conflicting classifications of pathogenicity. Review status: criteria provided, conflicting classifications (1 of 4 stars). 2 submissions from 2 submitters: Likely pathogenic (1); Uncertain significance (1). Last evaluated 2025-07-23.

Conditions:
PDE3A-related disorder. Also called: PDE3A-related condition.

Submissions (2):

Labcorp Genetics (formerly Invitae), Labcorp
Classification: Uncertain significance. Last evaluated: 2025-07-23. Review status: criteria provided, single submitter. Criteria: Invitae Variant Classification Sherloc (09022015). Collection method: clinical testing. Allele origin: germline.
Comment: This sequence change replaces glycine, which is neutral and non-polar, with alanine, which is neutral and non-polar, at codon 449 of the PDE3A protein (p.Gly449Ala). This variant is not present in population databases (gnomAD no frequency). This missense change has been observed in individual(s) with PDE3A-related conditions (internal data). An algorithm developed to predict the effect of missense changes on protein structure and function (PolyPhen-2) suggests that this variant is likely to be disruptive. This variant disrupts the p.Gly449 amino acid residue in PDE3A. Other variant(s) that disrupt this residue have been determined to be pathogenic (PMID: 29758562, 31549136, 32631253). This suggests that this residue is clinically significant, and that variants that disrupt this residue are likely to be disease-causing. In summary, the available evidence is currently insufficient to determine the role of this variant in disease. Therefore, it has been classified as a Variant of Uncertain Significance.

Blueprint Genetics
Classification: Likely pathogenic for PDE3A-related disorders. Last evaluated: 2020-11-17. Review status: criteria provided, single submitter. Criteria: ACMG Guidelines, 2015. Collection method: clinical testing. Allele origin: germline. Affected: yes. Observed: 1 variant allele.

Literature cited by the submitters: PubMed 29758562 (cited by Labcorp Genetics (formerly Invitae), Labcorp); PubMed 31549136 (cited by Labcorp Genetics (formerly Invitae), Labcorp); PubMed 32631253 (cited by Labcorp Genetics (formerly Invitae), Labcorp).